The following is an entry in ClinVar:

ClinVar aggregate classification (germline): Uncertain significance (1 of 4 stars; one submission).

Allele frequency attached by ClinVar (database versions not stated): gnomAD 0.00003; TOPMed 0.00009.

Submission:

Women's Health and Genetics/Laboratory Corporation of America, LabCorp
Classification: Uncertain significance. Last evaluated: 2023-04-05. Review status: criteria provided, single submitter. Criteria: LabCorp Variant Classification Summary - May 2015. Collection method: clinical testing. Allele origin: germline.
Comment: Variant summary: CCDC78 c.492+14C>T alters a non-conserved nucleotide located close to a canonical splice site and therefore could affect mRNA splicing, leading to a significantly altered protein sequence. 4/4 computational tools predict no significant impact on normal splicing. However, these predictions have yet to be confirmed by functional studies. The variant allele was found at a frequency of 3.3e-05 in 150942 control chromosomes (gnomAD v3.1.2). The available data on variant occurrences in the general population are insufficient to allow any conclusion about variant significance. To our knowledge, no occurrence of c.492+14C>T in individuals affected with Congenital Myopathy With Internal Nuclei And Atypical Cores and no experimental evidence demonstrating its impact on protein function have been reported. No clinical diagnostic laboratories have submitted clinical-significance assessments for this variant to ClinVar after 2014. Based on the evidence outlined above, the variant was classified as uncertain significance.

NM_001378030.1(CCDC78):c.492+14C>T

Gene: CCDC78 (coiled-coil domain containing 78; minus strand). Cytogenetic location: 16p13.3.
Variant type: single nucleotide variant.
Coding change: c.492+14C>T on transcript NM_001378030.1 (MANE Select); 14 bases into the intron after coding-DNA position 492, C replaced by T.
Molecular consequence: intron variant. On other transcripts: missense variant (1).
Genome position (GRCh38, 1-based): chr16:725,223, G>A on the plus strand (C>T on the coding strand, the complement: CCDC78 is on the minus strand). VCF-style: chr16-725223-G-A. GRCh37 (hg19) VCF-style: chr16-775223-G-A.
Other names: c.53C>T, p.Pro18Leu (NM_001378033.1); c.492+14C>T (NM_001378031.1, NM_001031737.3, NM_001031737.2); short protein forms P18L.
Identifiers: ClinVar variation 2503949 (VCV002503949.1), dbSNP rs1438052884, ClinGen allele CA493013495.